The following is an entry in ClinVar:

ClinVar aggregate classification (germline): Uncertain significance (1 of 4 stars; one submission).

Submission:

Labcorp Genetics (formerly Invitae), Labcorp
Classification: Uncertain significance. Last evaluated: 2025-07-21. Review status: criteria provided, single submitter. Criteria: Invitae Variant Classification Sherloc (09022015). Collection method: clinical testing. Allele origin: germline.
Comment: This sequence change replaces asparagine, which is neutral and polar, with histidine, which is basic and polar, at codon 694 of the TRPC6 protein (p.Asn694His). This variant is not present in population databases (gnomAD no frequency). This variant has not been reported in the literature in individuals affected with TRPC6-related conditions. ClinVar contains an entry for this variant (Variation ID: 1715810). Invitae Evidence Modeling of protein sequence and biophysical properties (such as structural, functional, and spatial information, amino acid conservation, physicochemical variation, residue mobility, and thermodynamic stability) has been performed for this missense variant. However, the output from this modeling did not meet the statistical confidence thresholds required to predict the impact of this variant on TRPC6 protein function. In summary, the available evidence is currently insufficient to determine the role of this variant in disease. Therefore, it has been classified as a Variant of Uncertain Significance.

NM_004621.6(TRPC6):c.2080A>C (p.Asn694His)

Gene: TRPC6 (transient receptor potential cation channel subfamily C member 6; minus strand). Cytogenetic location: 11q22.1.
Variant type: single nucleotide variant.
Coding change: c.2080A>C on transcript NM_004621.6 (MANE Select); coding-DNA position 2080, A replaced by C.
Protein change: p.Asn694His; replaces asparagine 694 with histidine.
Molecular consequence: missense variant.
Genome position (GRCh38, 1-based): chr11:101,472,262, T>G on the plus strand (A>C on the coding strand, the complement: TRPC6 is on the minus strand). VCF-style: chr11-101472262-T-G. GRCh37 (hg19) VCF-style: chr11-101342993-T-G.
Other names: short protein forms N694H.
Identifiers: ClinVar variation 1715810 (VCV001715810.5), dbSNP rs2497333329, ClinGen allele CA382439492.
Genomic context (GRCh38, chr11:101,472,262, plus strand): 5'-TAACATTATAGACTCCATAAAGAACGTAACCAATGTTTTCAATGAATTTGTGGTTATAGT[T>G]GATGACCACTGATTTCACTTCAGAAAGTCCAAATATAGCCCAGAACAGTGTCTTAAAACT-3'
Protein context (NP_004612.2, residues 684-704): GLSEVKSVVI[Asn694His]YNHKFIENIG